The following is an entry in ClinVar:

ClinVar aggregate classification (germline): Pathogenic/Likely pathogenic. Review status: criteria provided, multiple submitters, no conflicts (2 of 4 stars). 2 submissions from 2 submitters: Pathogenic (1); Likely pathogenic (1). Last evaluated 2023-10-13.

Conditions:
Pregnancy loss, recurrent, susceptibility to, 1 (RPRGL1). Also called: EMBRYONIC LOSS, RECURRENT; MISCARRIAGE, RECURRENT; STILLBIRTH, RECURRENT; FETAL LOSS, RECURRENT, SUSCEPTIBILITY TO. Identifiers: MedGen C3280670, MONDO:0013727, OMIM 614389.
Congenital factor V deficiency. Also called: Hereditary factor V deficiency disease; LABILE FACTOR DEFICIENCY; OWREN PARAHEMOPHILIA; PARAHEMOPHILIA. Identifiers: Orphanet 326, MedGen C0015499, MONDO:0009210, OMIM 227400.

Submissions (2):

Labcorp Genetics (formerly Invitae), Labcorp
Classification: Pathogenic for Congenital factor V deficiency. Last evaluated: 2023-10-13. Review status: criteria provided, single submitter. Criteria: Invitae Variant Classification Sherloc (09022015). Collection method: clinical testing. Allele origin: germline.
Comment: This sequence change creates a premature translational stop signal (p.Leu1267Phefs*21) in the F5 gene. It is expected to result in an absent or disrupted protein product. Loss-of-function variants in F5 are known to be pathogenic (PMID: 30924984). This variant is not present in population databases (gnomAD no frequency). This premature translational stop signal has been observed in individual(s) with factor V deficiency (PMID: 17145618). This variant is also known as g.52162delC, c.3888delC, FS1259ter . For these reasons, this variant has been classified as Pathogenic.

Neuberg Centre For Genomic Medicine, NCGM
Classification: Likely pathogenic for Pregnancy loss, recurrent, susceptibility to, 1. Review status: criteria provided, single submitter. Criteria: ACMG Guidelines, 2015. Collection method: clinical testing. Allele origin: germline. Inheritance: Autosomal dominant inheritance. Affected: yes.
Comment: The frameshift c.3799delp.Leu1267PhefsTer21 variant in F5 gene has not been reported previously as a pathogenic variant nor as a benign variant, to our knowledge. This variant is reported with the allele frequency of 0% in the gnomAD Exomes and novel in 1000 Genomes. This variant causes a frameshift starting with codon Leucine 1267, changes this amino acid to Phenylalanine residue, and creates a premature Stop codon at position 21 of the new reading frame, denoted p.Leu1267PhefsTer21. This variant is predicted to cause loss of normal protein function through protein truncation. Loss of function variants have been previously reported to be disease causing. For these reasons, this variant has been classified as Likely Pathogenic.

Literature cited by the submitters: PubMed 30924984 (cited by Labcorp Genetics (formerly Invitae), Labcorp); PubMed 17145618 (cited by Labcorp Genetics (formerly Invitae), Labcorp).

NM_000130.5(F5):c.3799del (p.Leu1267fs)

Gene: F5 (coagulation factor V; minus strand). Cytogenetic location: 1q24.2.
Variant type: Deletion.
Coding change: c.3799del on transcript NM_000130.5 (MANE Select); coding-DNA position 3799, one base deleted (C; older notation c.3799delC).
Protein change: p.Leu1267fs; shifts the reading frame from leucine 1267.
Molecular consequence: frameshift variant.
Genome position (GRCh38, 1-based): chr1:169,541,291, G deleted on the plus strand (C on the coding strand, the reverse complement: F5 is on the minus strand); the first of 2 consecutive G bases (chr1:169,541,291-169,541,292); deleting either gives the same sequence. VCF-style (leftmost placement, unchanged base first): chr1-169541290-AG-A. GRCh37 (hg19) VCF-style: chr1-169510528-AG-A.
Other names: short protein forms L1267fs.
Identifiers: ClinVar variation 2734020 (VCV002734020.4), dbSNP rs1271829589, ClinGen allele CA527131036.